The following is an entry in ClinVar:

NM_014339.7(IL17RA):c.1639A>C (p.Met547Leu)

Gene: IL17RA (interleukin 17 receptor A; plus strand). Cytogenetic location: 22q11.1.
Variant type: single nucleotide variant.
Coding change: c.1639A>C on transcript NM_014339.7 (MANE Select); coding-DNA position 1639, A replaced by C.
Protein change: p.Met547Leu; replaces methionine 547 with leucine.
Molecular consequence: missense variant.
Genome position (GRCh38, 1-based): chr22:17,108,858, A>C. VCF-style: chr22-17108858-A-C. GRCh37 (hg19) VCF-style: chr22-17589748-A-C.
Other names: c.1537A>C, p.Met513Leu (NM_001289905.2); short protein forms M513L, M547L.
Identifiers: ClinVar variation 3665796 (VCV003665796.2).
Genomic context (GRCh38, chr22:17,108,858, plus strand): 5'-GACAGGTTCGAGGAGGTGTACTTCCGCATCCAGGACCTGGAGATGTTCCAGCCGGGCCGC[A>C]TGCACCGCGTAGGGGAGCTGTCGGGGGACAACTACCTGCGGAGCCCGGGCGGCAGGCAGC-3'
Protein context (NP_055154.3, residues 537-557): QDLEMFQPGR[Met547Leu]HRVGELSGDN

ClinVar aggregate classification (germline): Uncertain significance (1 of 4 stars; one submission).

Conditions:
Immunodeficiency 51 (IMD51). Also called: CANDIDIASIS, FAMILIAL, 5. Identifiers: Orphanet 1334, MedGen C4310803, MONDO:0013500, OMIM 613953.

Submission:

Labcorp Genetics (formerly Invitae), Labcorp
Classification: Uncertain significance for Immunodeficiency 51. Last evaluated: 2024-11-19. Review status: criteria provided, single submitter. Criteria: Invitae Variant Classification Sherloc (09022015). Collection method: clinical testing. Allele origin: germline.
Comment: This sequence change replaces methionine, which is neutral and non-polar, with leucine, which is neutral and non-polar, at codon 547 of the IL17RA protein (p.Met547Leu). This variant is not present in population databases (gnomAD no frequency). This variant has not been reported in the literature in individuals affected with IL17RA-related conditions. Invitae Evidence Modeling of protein sequence and biophysical properties (such as structural, functional, and spatial information, amino acid conservation, physicochemical variation, residue mobility, and thermodynamic stability) indicates that this missense variant is expected to disrupt IL17RA protein function with a positive predictive value of 80%. In summary, the available evidence is currently insufficient to determine the role of this variant in disease. Therefore, it has been classified as a Variant of Uncertain Significance.